The following is an entry in ClinVar:

ClinVar aggregate classification (germline): Uncertain significance (1 of 4 stars; one submission).

Allele frequency attached by ClinVar (database versions not stated): TOPMed below 0.00001; ExAC 0.00001; gnomAD 0.00001; gnomAD exomes 0.00001; ESP Exome Variant Server 0.00008.
gnomAD v4.1: 17 of 1,613,634 alleles (0.0011%); highest among the groups gnomAD compares: Non-Finnish European, 0.0014%; no homozygotes.

Submission:

Labcorp Genetics (formerly Invitae), Labcorp
Classification: Uncertain significance. Last evaluated: 2023-05-20. Review status: criteria provided, single submitter. Criteria: Invitae Variant Classification Sherloc (09022015). Collection method: clinical testing. Allele origin: germline.
Comment: This sequence change falls in intron 13 of the CAMTA1 gene. It does not directly change the encoded amino acid sequence of the CAMTA1 protein. It affects a nucleotide within the consensus splice site. This variant is present in population databases (rs375669482, gnomAD 0.002%). This variant has not been reported in the literature in individuals affected with CAMTA1-related conditions. Variants that disrupt the consensus splice site are a relatively common cause of aberrant splicing (PMID: 17576681, 9536098). Algorithms developed to predict the effect of sequence changes on RNA splicing suggest that this variant is not likely to affect RNA splicing. In summary, the available evidence is currently insufficient to determine the role of this variant in disease. Therefore, it has been classified as a Variant of Uncertain Significance.

Literature cited by the submitters: PubMed 17576681; PubMed 9536098.

NM_015215.4(CAMTA1):c.3263+3A>G

Gene: CAMTA1 (calmodulin binding transcription activator 1; plus strand). Cytogenetic location: 1p36.23.
Variant type: single nucleotide variant.
Coding change: c.3263+3A>G on transcript NM_015215.4 (MANE Select); 3 bases into the intron after coding-DNA position 3263, A replaced by G.
Molecular consequence: intron variant.
Genome position (GRCh38, 1-based): chr1:7,736,543, A>G. VCF-style: chr1-7736543-A-G. GRCh37 (hg19) VCF-style: chr1-7796603-A-G.
Other names: c.335+3A>G (NM_001349625.2, NM_001349623.1, NM_001349617.1 and 10 more transcripts); c.392+3A>G (NM_001349613.1); c.3263+3A>G (NM_001349609.2, NM_001349610.2, NM_001410737.1); c.3191+3A>G (NM_001410738.1); c.3173+3A>G (NM_001349608.2, NM_001349612.2).
Identifiers: ClinVar variation 2791713 (VCV002791713.3), dbSNP rs375669482, ClinGen allele CA566863.